The following is an entry in ClinVar:

NM_001267550.2(TTN):c.50648C>A (p.Pro16883His)

Genes: TTN (titin; minus strand), TTN-AS1 (TTN antisense RNA 1; plus strand). Cytogenetic location: 2q31.2.
Variant type: single nucleotide variant.
Coding change: c.50648C>A on transcript NM_001267550.2 (MANE Select); coding-DNA position 50648, C replaced by A.
Protein change: p.Pro16883His; replaces proline 16883 with histidine.
Molecular consequence: missense variant.
Genome position (GRCh38, 1-based): chr2:178,611,581, G>T on the plus strand (C>A on the coding strand, the complement: TTN is on the minus strand). VCF-style: chr2-178611581-G-T. GRCh37 (hg19) VCF-style: chr2-179476308-G-T.
Other names: c.50648C>A (NM_001267550.1); c.45725C>A, p.Pro15242His (NM_001256850.1); c.23453C>A, p.Pro7818His (NM_003319.4); c.42944C>A, p.Pro14315His (NM_133378.4); c.23828C>A, p.Pro7943His (NM_133432.3); c.24029C>A, p.Pro8010His (NM_133437.4); short protein forms P16883H, P7943H, P8010H, P14315H, P15242H, P7818H.
Identifiers: ClinVar variation 467226 (VCV000467226.4), dbSNP rs758756600, ClinGen allele CA1994328.
Genomic context (GRCh38, chr2:178,611,581, plus strand): 5'-TTAACTCTCATCCATTTCTCAGTGCCTACTGGACACATTTCAACATGGTATCCTATGATA[G>T]GACTTCCACCATTTTTCTCTGGAGGCTTCCAAGCAATGGCAATGTGTTTTCTCCCAGCAT-3'
Protein context (NP_001254479.2, residues 16873-16893): WKPPEKNGGS[Pro16883His]IIGYHVEMCP

ClinVar aggregate classification (germline): Uncertain significance. Review status: criteria provided, multiple submitters, no conflicts (2 of 4 stars). 2 submissions from 2 submitters: Uncertain significance (2). Last evaluated 2025-06-30.

Conditions:
Autosomal recessive limb-girdle muscular dystrophy type 2J (LGMDR10). Also called: Limb-girdle muscular dystrophy, type 2J; MUSCULAR DYSTROPHY, LIMB-GIRDLE, AUTOSOMAL RECESSIVE 10. Identifiers: Orphanet 140922, MedGen C1837342, MONDO:0012127, OMIM 608807.
Dilated cardiomyopathy 1G (CMD1G). Identifiers: Orphanet 154, MedGen C1858763, MONDO:0011400, OMIM 604145.

Allele frequency attached by ClinVar (database versions not stated): gnomAD exomes 0.00001 and 0.00002; ExAC 0.00002.
gnomAD v4.1: 15 of 1,612,856 alleles (0.00093%); highest among the groups gnomAD compares: Middle Eastern, 0.033%; no homozygotes.

Submissions (2):

GeneDx
Classification: Uncertain significance. Last evaluated: 2025-06-30. Review status: criteria provided, single submitter. Criteria: GeneDx Variant Classification Process June 2021. Collection method: clinical testing. Allele origin: germline. Affected: yes.
Comment: Not observed at significant frequency in large population cohorts (gnomAD); Missense variant in a gene in which most reported pathogenic variants are truncating/loss of function; Has not been previously published as pathogenic or benign to our knowledge

Labcorp Genetics (formerly Invitae), Labcorp
Classification: Uncertain significance for Dilated cardiomyopathy 1G; Autosomal recessive limb-girdle muscular dystrophy type 2J. Last evaluated: 2017-03-30. Review status: criteria provided, single submitter. Criteria: Invitae Variant Classification Sherloc (09022015). Collection method: clinical testing. Allele origin: germline.